The following is an entry in ClinVar:

ClinVar aggregate classification (germline): Uncertain significance (1 of 4 stars; one submission).

Conditions:
Cardiovascular phenotype. Identifiers: MedGen CN230736.

Allele frequency attached by ClinVar (database versions not stated): TOPMed below 0.00001.
gnomAD v4.1: 1 of 1,550,270 alleles (0.000065%); highest among the groups gnomAD compares: Non-Finnish European, 0.000087%; no homozygotes.

Submission:

Ambry Genetics
Classification: Uncertain significance for Cardiovascular phenotype. Last evaluated: 2021-09-17. Review status: criteria provided, single submitter. Criteria: Ambry Variant Classification Scheme 2023. Collection method: clinical testing. Allele origin: germline.
Comment: The p.A2167S variant (also known as c.6499G>T), located in coding exon 2 of the ZNF469 gene, results from a G to T substitution at nucleotide position 6499. The alanine at codon 2167 is replaced by serine, an amino acid with similar properties. This amino acid position is conserved. In addition, this alteration is predicted to be tolerated by in silico analysis. Since supporting evidence is limited at this time, the clinical significance of this alteration remains unclear.

NM_001367624.2(ZNF469):c.6583G>T (p.Ala2195Ser)

Gene: ZNF469 (zinc finger protein 469; plus strand). Cytogenetic location: 16q24.2.
Variant type: single nucleotide variant.
Coding change: c.6583G>T on transcript NM_001367624.2 (MANE Select); coding-DNA position 6583, G replaced by T.
Protein change: p.Ala2195Ser; replaces alanine 2195 with serine.
Molecular consequence: missense variant.
Genome position (GRCh38, 1-based): chr16:88,434,053, G>T. VCF-style: chr16-88434053-G-T. GRCh37 (hg19) VCF-style: chr16-88500461-G-T.
Other names: NM_001127464.1:c.6499G>T; short protein forms A2195S.
Identifiers: ClinVar variation 1753858 (VCV001753858.2), dbSNP rs1466703946, ClinGen allele CA397106240.